The following is an entry in ClinVar:

ClinVar aggregate classification (germline): Likely pathogenic (1 of 4 stars; one submission).

Conditions:
Hereditary cancer-predisposing syndrome. Also called: Tumor predisposition; Hereditary neoplastic syndrome; Neoplastic Syndromes, Hereditary; Hereditary Cancer Syndrome. Identifiers: Orphanet 140162, MedGen C0027672, MeSH D009386, MONDO:0015356.

Submission:

Ambry Genetics
Classification: Likely pathogenic for Hereditary cancer-predisposing syndrome. Last evaluated: 2025-08-12. Review status: criteria provided, single submitter. Criteria: Ambry Variant Classification Scheme 2023. Collection method: clinical testing. Allele origin: germline.
Comment: The p.L420R variant (also known as c.1259T>G), located in coding exon 13 of the MUTYH gene, results from a T to G substitution at nucleotide position 1259. The leucine at codon 420 is replaced by arginine, an amino acid with dissimilar properties. This variant has been identified in conjunction with another MUTYH variant in individual(s) with features consistent with MUTYH-associated polyposis (Ambry internal data). In a massively parallel cell-based functional assay testing 7,8-dihydro-8-oxoguanine:adenine (8OG:A) repair activity, a byproduct of oxidative damage, this variant was reported to be non-functional (Hemker SL et al. Am J Hum Genet. Published online July 29, 2025. DOI: 10.1016/j.ajhg.2025.07.005). This amino acid position is well conserved in available vertebrate species. In addition, this alteration is predicted to be deleterious by in silico analysis. This variant is considered to be rare based on population cohorts in the Genome Aggregation Database (gnomAD). Based on the majority of available evidence to date, this variant is likely to be pathogenic.

Literature cited by the submitters: PubMed 40738107.

NM_001048174.2(MUTYH):c.1175T>G (p.Leu392Arg)

Gene: MUTYH (mutY DNA glycosylase; minus strand). Cytogenetic location: 1p34.1.
Variant type: single nucleotide variant.
Coding change: c.1175T>G on transcript NM_001048174.2 (MANE Select); coding-DNA position 1175, T replaced by G.
Protein change: p.Leu392Arg; replaces leucine 392 with arginine.
Molecular consequence: missense variant. On other transcripts: non-coding transcript variant (2).
Genome position (GRCh38, 1-based): chr1:45,331,484, A>C on the plus strand (T>G on the coding strand, the complement: MUTYH is on the minus strand). VCF-style: chr1-45331484-A-C. GRCh37 (hg19) VCF-style: chr1-45797156-A-C.
Other names: c.1175T>G, p.Leu392Arg (NM_001048171.2, NM_001048173.2, NM_001293195.2); c.1178T>G, p.Leu393Arg (NM_001048172.2); c.1259T>G, p.Leu420Arg (NM_001128425.2); c.1220T>G, p.Leu407Arg (NM_001293190.2); c.1208T>G, p.Leu403Arg (NM_001293191.2); c.899T>G, p.Leu300Arg (NM_001293192.2, NM_001293196.2); c.830T>G, p.Leu277Arg (NM_001350650.2, NM_001350651.2); c.1250T>G, p.Leu417Arg (NM_012222.3); short protein forms L393R, L403R, L420R, L417R, L277R, L300R, L392R, L407R.
Identifiers: ClinVar variation 818731 (VCV000818731.5), dbSNP rs1570373782, ClinGen allele CA340132943.